The following is an entry in ClinVar:

ClinVar aggregate classification (germline): Uncertain significance (1 of 4 stars; one submission).

Conditions:
Developmental and epileptic encephalopathy, 62. Also called: Early infantile epileptic encephalopathy 62. Identifiers: MedGen C4693699, MONDO:0033371, OMIM 617938.

Submission:

Victorian Clinical Genetics Services, Murdoch Childrens Research Institute
Classification: Uncertain significance for Developmental and epileptic encephalopathy, 62. Last evaluated: 2025-07-13. Review status: criteria provided, single submitter. Criteria: ACMG Guidelines, 2015. Collection method: clinical testing. Allele origin: germline. Affected: yes.
Comment: This variant is classified as VUS-3A. Evidence in support of pathogenic classification: Variant is absent from gnomAD (v2, v3 and v4); Missense variant consistently predicted to be damaging by multiple in silico tools or highly conserved with a major amino acid change. Additional information: Variant is predicted to result in a missense amino acid change from leucine to proline; This variant is heterozygous; This gene is associated with autosomal dominant disease; An alternative amino acid change at the same position has been observed in gnomAD (v4; 1 heterozygote, 0 homozygotes); This variant has no previous evidence of pathogenicity; No published functional evidence has been identified for this variant; No comparable missense variants have previous evidence for pathogenicity; Variant is not located in an established domain, motif, hotspot or informative constraint region; Gain of function is a known mechanism of disease in this gene and is associated with familial focal epilepsy with variable foci 4 (MIM#617935) and developmental and epileptic encephalopathy 62 (DEE; MIM#617938). Although, a single frameshift variant predicted to have a null effect has been reported in an individual with DEE (ClinGen GCEP); The condition associated with this gene has incomplete penetrance. It has been reported in a single family (PMID: 18242854).

Literature cited by the submitters: PubMed 18242854.

NM_006922.4(SCN3A):c.5516T>C (p.Leu1839Pro)

Gene: SCN3A (sodium voltage-gated channel alpha subunit 3; minus strand). Cytogenetic location: 2q24.3.
Variant type: single nucleotide variant.
Coding change: c.5516T>C on transcript NM_006922.4 (MANE Select); coding-DNA position 5516, T replaced by C.
Protein change: p.Leu1839Pro; replaces leucine 1839 with proline.
Molecular consequence: missense variant.
Genome position (GRCh38, 1-based): chr2:165,090,637, A>G on the plus strand (T>C on the coding strand, the complement: SCN3A is on the minus strand). VCF-style: chr2-165090637-A-G. GRCh37 (hg19) VCF-style: chr2-165947147-A-G.
Other names: c.5369T>C, p.Leu1790Pro (NM_001081676.2, NM_001081677.2); short protein forms L1790P, L1839P.
Identifiers: ClinVar variation 3377018 (VCV003377018.3).